The following is an entry in ClinVar:

NM_003482.4(KMT2D):c.11871GCAACA[3] (p.Gln3964_Gln3965dup)

Gene: KMT2D (lysine methyltransferase 2D; minus strand). Cytogenetic location: 12q13.12.
Variant type: Microsatellite.
Coding change: c.11871GCAACA[3] on transcript NM_003482.4 (MANE Select); three copies in a row of the 6-base unit GCAACA starting at c.11871; the reference has two copies in a row; one copy, 6 bases duplicated; also written c.11877_11882dup.
Protein change: p.Gln3964_Gln3965dup.
Molecular consequence: inframe insertion.
Genome position (GRCh38, 1-based): chr12:49,032,823-49,032,828, TGTTGC duplicated on the plus strand (GCAACA on the coding strand, the reverse complement: KMT2D is on the minus strand); duplicating any 6 consecutive bases within chr12:49,032,823-49,032,839 gives the same sequence; the position shown is the placement nearest the transcript's 3' end. VCF-style (leftmost placement, unchanged base first): chr12-49032822-T-TTGTTGC. GRCh37 (hg19) VCF-style: chr12-49426605-T-TTGTTGC.
Other names: c.11877_11882dup (NM_003482.4).
Identifiers: ClinVar variation 1420132 (VCV001420132.7), dbSNP rs748029700, ClinGen allele CA919083085.
Genomic context (GRCh38, chr12:49,032,822, plus strand): 5'-ACTCTGGTTTAAAAGGCCCATCTGCTGCTGTTGCTGCTGCTGTTGAAACTGCTGCTGTTG[T>TTGTTGC]TGTTGCTGTTGCTGTTGTAGCTGCTGTTGCTGCTGTTGAAGCTGTTGCTGCTGCTGTTGT-3'

ClinVar aggregate classification (germline): Uncertain significance. Review status: criteria provided, multiple submitters, no conflicts (2 of 4 stars). 3 submissions from 3 submitters: Uncertain significance (3). Last evaluated 2024-05-13.

Conditions:
Choanal atresia-athelia-hypothyroidism-delayed puberty-short stature syndrome (BCAHH). Also called: BRANCHIAL ARCH ABNORMALITIES, CHOANAL ATRESIA, ATHELIA, HEARING LOSS, AND HYPOTHYROIDISM SYNDROME. Identifiers: Orphanet 589856, MedGen C5680310, MONDO:0035651, OMIM 620186.
Kabuki syndrome 1 (KABUK1). Also called: KMT2D-Related Kabuki Syndrome. Identifiers: Orphanet 2322, MedGen CN030661, MONDO:0007843, OMIM 147920.
Kabuki syndrome. Also called: Kabuki make-up syndrome; NIIKAWA-KUROKI SYNDROME. Identifiers: Orphanet 2322, MedGen C0796004, MONDO:0016512.

Submissions (3):

Fulgent Genetics
Classification: Uncertain significance for Kabuki syndrome 1; Choanal atresia-athelia-hypothyroidism-delayed puberty-short stature syndrome. Last evaluated: 2024-05-13. Review status: criteria provided, single submitter. Criteria: ACMG Guidelines, 2015. Collection method: clinical testing. Allele origin: germline.

Labcorp Genetics (formerly Invitae), Labcorp
Classification: Uncertain significance for Kabuki syndrome. Last evaluated: 2023-12-18. Review status: criteria provided, single submitter. Criteria: Invitae Variant Classification Sherloc (09022015). Collection method: clinical testing. Allele origin: germline.
Comment: This variant, c.11877_11882dup, results in the insertion of 2 amino acid(s) of the KMT2D protein (p.Gln3964_Gln3965dup), but otherwise preserves the integrity of the reading frame. This variant is not present in population databases (gnomAD no frequency). This variant has not been reported in the literature in individuals affected with KMT2D-related conditions. This variant has been observed in at least one individual who was not affected with KMT2D-related conditions (Invitae). ClinVar contains an entry for this variant (Variation ID: 1420132). In summary, the available evidence is currently insufficient to determine the role of this variant in disease. Therefore, it has been classified as a Variant of Uncertain Significance.

GeneDx
Classification: Uncertain significance. Last evaluated: 2023-02-23. Review status: criteria provided, single submitter. Criteria: GeneDx Variant Classification Process June 2021. Collection method: clinical testing. Allele origin: germline. Affected: yes.
Comment: In-frame insertion of 2 amino acids in a non-repeat region; Has not been previously published as pathogenic or benign to our knowledge